The following is an entry in ClinVar:

NM_006979.3(SLC39A7):c.1144C>T (p.Arg382Cys)

Gene: SLC39A7 (solute carrier family 39 member 7; plus strand). Cytogenetic location: 6p21.32.
Variant type: single nucleotide variant.
Coding change: c.1144C>T on transcript NM_006979.3 (MANE Select); coding-DNA position 1144, C replaced by T.
Protein change: p.Arg382Cys; replaces arginine 382 with cysteine.
Molecular consequence: missense variant.
Genome position (GRCh38, 1-based): chr6:33,203,547, C>T. VCF-style: chr6-33203547-C-T. GRCh37 (hg19) VCF-style: chr6-33171324-C-T.
Other names: c.1144C>T, p.Arg382Cys (NM_001077516.2); c.769C>T, p.Arg257Cys (NM_001288777.2); short protein forms R382C, R257C.
Identifiers: ClinVar variation 2056319 (VCV002056319.1), dbSNP rs1202409452, ClinGen allele CA363646853.
Genomic context (GRCh38, chr6:33,203,547, plus strand): 5'-CACTGATAATCTTTAGCTATTGGTGAGTGCCTTTTTCTCTTTTCTGCCCATCAGGCGATG[C>T]GTCTGCAACTACTGACAGCAGTAGGGGCACTGGCAGGCACAGCCTGTGCCCTTCTCACTG-3'
Protein context (NP_008910.2, residues 372-392): QSGCSKKQAM[Arg382Cys]LQLLTAVGAL

ClinVar aggregate classification (germline): Uncertain significance (1 of 4 stars; one submission).

Allele frequency attached by ClinVar (database versions not stated): gnomAD 0.00001; gnomAD exomes 0.00001.
gnomAD v4.1: 9 of 1,614,022 alleles (0.00056%); highest among the groups gnomAD compares: East Asian, 0.0022%; no homozygotes.

Submission:

Labcorp Genetics (formerly Invitae), Labcorp
Classification: Uncertain significance. Last evaluated: 2022-07-04. Review status: criteria provided, single submitter. Criteria: Invitae Variant Classification Sherloc (09022015). Collection method: clinical testing. Allele origin: germline.
Comment: This sequence change replaces arginine, which is basic and polar, with cysteine, which is neutral and slightly polar, at codon 382 of the SLC39A7 protein (p.Arg382Cys). This variant is present in population databases (no rsID available, gnomAD 0.004%). This variant has not been reported in the literature in individuals affected with SLC39A7-related conditions. Algorithms developed to predict the effect of missense changes on protein structure and function output the following: SIFT: "Tolerated"; PolyPhen-2: "Benign"; Align-GVGD: "Class C0". The cysteine amino acid residue is found in multiple mammalian species, which suggests that this missense change does not adversely affect protein function. In summary, the available evidence is currently insufficient to determine the role of this variant in disease. Therefore, it has been classified as a Variant of Uncertain Significance.